The following is an entry in ClinVar:

NM_001123385.2(BCOR):c.1862A>G (p.Asn621Ser)

Gene: BCOR (BCL6 corepressor; minus strand). Cytogenetic location: Xp11.4.
Variant type: single nucleotide variant.
Coding change: c.1862A>G on transcript NM_001123385.2 (MANE Select); coding-DNA position 1862, A replaced by G.
Protein change: p.Asn621Ser; replaces asparagine 621 with serine.
Molecular consequence: missense variant.
Genome position (GRCh38, 1-based): chrX:40,073,484, T>C on the plus strand (A>G on the coding strand, the complement: BCOR is on the minus strand). VCF-style: chrX-40073484-T-C. GRCh37 (hg19) VCF-style: chrX-39932737-T-C.
Other names: c.1862A>G, p.Asn621Ser (NM_001123383.2, NM_001123384.2, NM_017745.6); short protein forms N621S.
Identifiers: ClinVar variation 2116370 (VCV002116370.4), dbSNP rs1341672396, ClinGen allele CA412744224.
Genomic context (GRCh38, chrX:40,073,484, plus strand): 5'-GACAGAAATATAGAGCTTGGTGGAAGGCCGTTCTCGTTTGCTTTGAAACTCGGTTCTGGG[T>C]TGCTGGCTTTGGCGCCCTTGCTGCTGGTGCTGCTACTGTGCTTGGCAGGAGTGGCCGGGG-3'
Protein context (NP_001116857.1, residues 611-631): STSSKGAKAS[Asn621Ser]PEPSFKANEN

ClinVar aggregate classification (germline): Uncertain significance (1 of 4 stars; one submission).

Conditions:
Oculofaciocardiodental syndrome (MCOPS2). Identifiers: Orphanet 2712, MedGen C1846265, MONDO:0010261, OMIM 300166.

Allele frequency attached by ClinVar (database versions not stated): gnomAD exomes below 0.00001.
gnomAD v4.1: 1 of 1,212,404 alleles (0.000082%); highest among the groups gnomAD compares: Admixed American, 0.0022%; no homozygotes.

Submission:

Labcorp Genetics (formerly Invitae), Labcorp
Classification: Uncertain significance for Oculofaciocardiodental syndrome. Last evaluated: 2022-03-23. Review status: criteria provided, single submitter. Criteria: Invitae Variant Classification Sherloc (09022015). Collection method: clinical testing. Allele origin: germline.
Comment: In summary, the available evidence is currently insufficient to determine the role of this variant in disease. Therefore, it has been classified as a Variant of Uncertain Significance. Algorithms developed to predict the effect of missense changes on protein structure and function are either unavailable or do not agree on the potential impact of this missense change (SIFT: "Deleterious"; PolyPhen-2: "Benign"; Align-GVGD: "Class C45"). This variant has not been reported in the literature in individuals affected with BCOR-related conditions. This variant is present in population databases (no rsID available, gnomAD 0.004%). This sequence change replaces asparagine, which is neutral and polar, with serine, which is neutral and polar, at codon 621 of the BCOR protein (p.Asn621Ser).